The following is an entry in ClinVar:

ClinVar aggregate classification (germline): Uncertain significance (1 of 4 stars; one submission).

Conditions:
Dilated cardiomyopathy 1O (CMD1O). Also called: CARDIOMYOPATHY, DILATED, WITH VENTRICULAR TACHYCARDIA. Identifiers: Orphanet 154, MedGen C1837839, MONDO:0012062, OMIM 608569.

Submission:

Labcorp Genetics (formerly Invitae), Labcorp
Classification: Uncertain significance for Dilated cardiomyopathy 1O. Last evaluated: 2022-12-30. Review status: criteria provided, single submitter. Criteria: Invitae Variant Classification Sherloc (09022015). Collection method: clinical testing. Allele origin: germline.
Comment: This variant is not present in population databases (gnomAD no frequency). This sequence change replaces proline, which is neutral and non-polar, with serine, which is neutral and polar, at codon 798 of the ABCC9 protein (p.Pro798Ser). In summary, the available evidence is currently insufficient to determine the role of this variant in disease. Therefore, it has been classified as a Variant of Uncertain Significance. Advanced modeling of protein sequence and biophysical properties (such as structural, functional, and spatial information, amino acid conservation, physicochemical variation, residue mobility, and thermodynamic stability) performed at Invitae indicates that this missense variant is expected to disrupt ABCC9 protein function. This variant has not been reported in the literature in individuals affected with ABCC9-related conditions.

NM_020297.4(ABCC9):c.2392C>T (p.Pro798Ser)

Gene: ABCC9 (ATP binding cassette subfamily C member 9; minus strand). Cytogenetic location: 12p12.1.
Variant type: single nucleotide variant.
Coding change: c.2392C>T on transcript NM_020297.4 (MANE Select); coding-DNA position 2392, C replaced by T.
Protein change: p.Pro798Ser; replaces proline 798 with serine.
Molecular consequence: missense variant.
Genome position (GRCh38, 1-based): chr12:21,861,003, G>A on the plus strand (C>T on the coding strand, the complement: ABCC9 is on the minus strand). VCF-style: chr12-21861003-G-A. GRCh37 (hg19) VCF-style: chr12-22013937-G-A.
Other names: c.2392C>T, p.Pro798Ser (NM_001377273.1, NM_005691.4); c.1525C>T, p.Pro509Ser (NM_001377274.1); short protein forms P509S, P798S.
Identifiers: ClinVar variation 2824926 (VCV002824926.3), dbSNP rs760116129, ClinGen allele CA384128184.
Genomic context (GRCh38, chr12:21,861,003, plus strand): 5'-TTGCTTAATGAAACTATATATAGCTCACCCTCTCTCCAATTTCAGTTTGATCTCCAAATG[G>A]TAATAAGTCAATATCTGGCTGAAGAGAACAGGCATCTGTGACAGCTTTGTACCTTTGGGA-3'
Protein context (NP_064693.2, residues 788-808): CSLQPDIDLL[Pro798Ser]FGDQTEIGER